The following is an entry in ClinVar:

NM_006231.4(POLE):c.2320-113T>C

Gene: POLE (DNA polymerase epsilon, catalytic subunit; minus strand). Cytogenetic location: 12q24.33.
Variant type: single nucleotide variant.
Coding change: c.2320-113T>C on transcript NM_006231.4 (MANE Select); 113 bases into the intron before coding-DNA position 2320, T replaced by C.
Molecular consequence: intron variant.
Genome position (GRCh38, 1-based): chr12:132,665,563, A>G on the plus strand (T>C on the coding strand, the complement: POLE is on the minus strand). VCF-style: chr12-132665563-A-G. GRCh37 (hg19) VCF-style: chr12-133242149-A-G.
Identifiers: ClinVar variation 676495 (VCV000676495.2), dbSNP rs5744820, ClinGen allele CA246319424.

ClinVar aggregate classification (germline): Likely benign. Review status: criteria provided, multiple submitters, no conflicts (2 of 4 stars). 2 submissions from 2 submitters: Likely benign (2). Last evaluated 2018-06-14.

Allele frequency attached by ClinVar (database versions not stated): 1000 Genomes Project 0.03275; 1000 Genomes Project 30x 0.03560; gnomAD 0.03877 and 0.03940; TOPMed 0.04254; gnomAD exomes 0.04297.
gnomAD v4.1: 50,669 of 1,198,294 alleles (4.2%); highest among the groups gnomAD compares: Admixed American, 14%; 1,477 homozygotes.

Submissions (2):

GeneDx
Classification: Likely benign. Last evaluated: 2018-06-14. Review status: criteria provided, single submitter. Criteria: GeneDx Variant Classification (06012015). Collection method: clinical testing. Allele origin: germline. Affected: yes.
Comment: This variant is considered likely benign or benign based on one or more of the following criteria: it is a conservative change, it occurs at a poorly conserved position in the protein, it is predicted to be benign by multiple in silico algorithms, and/or has population frequency not consistent with disease.

Breakthrough Genomics
Classification: Likely benign. Review status: criteria provided, single submitter. Criteria: ACMG Guidelines, 2015. Collection method: not provided. Allele origin: germline. Inheritance: Autosomal recessive inheritance. Affected: yes.